The following is an entry in ClinVar:

NM_007129.5(ZIC2):c.1309C>A (p.Pro437Thr)

Gene: ZIC2 (Zic family member 2; plus strand). Cytogenetic location: 13q32.3.
Variant type: single nucleotide variant.
Coding change: c.1309C>A on transcript NM_007129.5 (MANE Select); coding-DNA position 1309, C replaced by A.
Protein change: p.Pro437Thr; replaces proline 437 with threonine.
Molecular consequence: missense variant.
Genome position (GRCh38, 1-based): chr13:99,985,392, C>A. VCF-style: chr13-99985392-C-A. GRCh37 (hg19) VCF-style: chr13-100637646-C-A.
Other names: short protein forms P437T.
Identifiers: ClinVar variation 1710633 (VCV001710633.2), dbSNP rs2501550512, ClinGen allele CA388639305.

ClinVar aggregate classification (germline): Uncertain significance (1 of 4 stars; one submission).

Submission:

GeneDx
Classification: Uncertain significance. Last evaluated: 2022-04-12. Review status: criteria provided, single submitter. Criteria: GeneDx Variant Classification Process June 2021. Collection method: clinical testing. Allele origin: germline. Affected: yes.
Comment: Not observed at significant frequency in large population cohorts (gnomAD); In silico analysis supports that this missense variant has a deleterious effect on protein structure/function; Has not been previously published as pathogenic or benign to our knowledge